The following is an entry in ClinVar:

NM_006914.4(RORB):c.394A>C (p.Asn132His)

Gene: RORB (RAR related orphan receptor B; plus strand). Cytogenetic location: 9q21.13.
Variant type: single nucleotide variant.
Coding change: c.394A>C on transcript NM_006914.4 (MANE Select); coding-DNA position 394, A replaced by C.
Protein change: p.Asn132His; replaces asparagine 132 with histidine.
Molecular consequence: missense variant.
Genome position (GRCh38, 1-based): chr9:74,642,572, A>C. VCF-style: chr9-74642572-A-C. GRCh37 (hg19) VCF-style: chr9-77257488-A-C.
Other names: c.427A>C, p.Asn143His (NM_001365023.1); short protein forms N143H, N132H.
Identifiers: ClinVar variation 1372025 (VCV001372025.8), dbSNP rs2118462663, ClinGen allele CA373769762.

ClinVar aggregate classification (germline): Uncertain significance (1 of 4 stars; one submission).

Submission:

Labcorp Genetics (formerly Invitae), Labcorp
Classification: Uncertain significance. Last evaluated: 2023-12-09. Review status: criteria provided, single submitter. Criteria: Invitae Variant Classification Sherloc (09022015). Collection method: clinical testing. Allele origin: germline.
Comment: This sequence change replaces asparagine, which is neutral and polar, with histidine, which is basic and polar, at codon 132 of the RORB protein (p.Asn132His). This variant is not present in population databases (gnomAD no frequency). This variant has not been reported in the literature in individuals affected with RORB-related conditions. ClinVar contains an entry for this variant (Variation ID: 1372025). An algorithm developed to predict the effect of missense changes on protein structure and function (PolyPhen-2) suggests that this variant is likely to be tolerated. In summary, the available evidence is currently insufficient to determine the role of this variant in disease. Therefore, it has been classified as a Variant of Uncertain Significance.